The following is an entry in ClinVar:

ClinVar aggregate classification (germline): Likely benign. Review status: criteria provided, multiple submitters, no conflicts (2 of 4 stars). 2 submissions from 2 submitters: Likely benign (2). Last evaluated 2026-02-01.

Submissions (2):

CeGaT Center for Human Genetics Tuebingen
Classification: Likely benign. Last evaluated: 2026-02-01. Review status: criteria provided, single submitter. Criteria: CeGaT Center For Human Genetics Tuebingen Variant Classification Criteria Version 2. Collection method: clinical testing. Allele origin: germline. Affected: yes. Observed: 1 variant allele.
Comment: ARMC5: BP4, BP7

Blueprint Genetics
Classification: Likely benign. Last evaluated: 2021-03-22. Review status: criteria provided, single submitter. Criteria: ACMG Guidelines, 2015. Collection method: clinical testing. Allele origin: germline.

NM_001105247.2(ARMC5):c.60G>A (p.Ala20=)

Gene: ARMC5 (armadillo repeat containing 5; plus strand). Cytogenetic location: 16p11.2.
Variant type: single nucleotide variant.
Coding change: c.60G>A on transcript NM_001105247.2 (MANE Select); coding-DNA position 60, G replaced by A.
Protein change: p.Ala20=; no amino-acid change (alanine 20 retained).
Molecular consequence: synonymous variant.
Genome position (GRCh38, 1-based): chr16:31,459,584, G>A. VCF-style: chr16-31459584-G-A. GRCh37 (hg19) VCF-style: chr16-31470905-G-A.
Other names: c.345G>A, p.Ala115= (NM_001288767.2); c.156G>A, p.Ala52= (NM_001301820.1); c.60G>A, p.Ala20= (NM_024742.2).
Identifiers: ClinVar variation 4821202 (VCV004821202.5).